The following is an entry in ClinVar:

ClinVar aggregate classification (germline): Conflicting classifications of pathogenicity. Review status: criteria provided, conflicting classifications (1 of 4 stars). 2 submissions from 2 submitters: Uncertain significance (1); Likely benign (1). Last evaluated 2024-07-05.

Conditions:
Inborn genetic diseases. Identifiers: MedGen C0950123, MeSH D030342.

Allele frequency attached by ClinVar (database versions not stated): gnomAD exomes 0.00005; ESP Exome Variant Server 0.00008; gnomAD 0.00009; TOPMed 0.00017.
gnomAD v4.1: 86 of 1,577,652 alleles (0.0055%); highest among the groups gnomAD compares: Admixed American, 0.011%; no homozygotes.

Submissions (2):

Ambry Genetics
Classification: Uncertain significance for Inborn genetic diseases. Last evaluated: 2024-07-05. Review status: criteria provided, single submitter. Criteria: Ambry Variant Classification Scheme 2023. Collection method: clinical testing. Allele origin: germline.

CeGaT Center for Human Genetics Tuebingen
Classification: Likely benign. Last evaluated: 2023-06-01. Review status: criteria provided, single submitter. Criteria: CeGaT Center For Human Genetics Tuebingen Variant Classification Criteria Version 2. Collection method: clinical testing. Allele origin: germline. Affected: yes. Observed: 1 variant allele.
Comment: INTS1: BP4

NM_001080453.3(INTS1):c.4280G>A (p.Arg1427His)

Gene: INTS1 (integrator complex subunit 1; minus strand). Cytogenetic location: 7p22.3.
Variant type: single nucleotide variant.
Coding change: c.4280G>A on transcript NM_001080453.3 (MANE Select); coding-DNA position 4280, G replaced by A.
Protein change: p.Arg1427His; replaces arginine 1427 with histidine.
Molecular consequence: missense variant.
Genome position (GRCh38, 1-based): chr7:1,479,479, C>T on the plus strand (G>A on the coding strand, the complement: INTS1 is on the minus strand). VCF-style: chr7-1479479-C-T. GRCh37 (hg19) VCF-style: chr7-1519115-C-T.
Other names: c.4280G>A (NM_001080453.2); c.797G>A, p.Arg266His (NM_015674.1); short protein forms R1427H, R266H.
Identifiers: ClinVar variation 2657191 (VCV002657191.25), dbSNP rs373326766, ClinGen allele CA4118928.